The following is an entry in ClinVar:

ClinVar aggregate classification (germline): Conflicting classifications of pathogenicity. Review status: criteria provided, conflicting classifications (1 of 4 stars). 2 submissions from 2 submitters: Uncertain significance (1); Likely benign (1). Last evaluated 2024-07-28.

Conditions:
Hereditary diffuse gastric adenocarcinoma (HDGC). Also called: DIFFUSE GASTRIC AND LOBULAR BREAST CANCER SYNDROME. Identifiers: Orphanet 26106, MedGen C1708349, MONDO:0007648, OMIM 137215.
Hereditary cancer-predisposing syndrome. Also called: Neoplastic Syndromes, Hereditary; Tumor predisposition; Hereditary neoplastic syndrome; Hereditary Cancer Syndrome. Identifiers: Orphanet 140162, MedGen C0027672, MeSH D009386, MONDO:0015356.

Allele frequency attached by ClinVar (database versions not stated): gnomAD exomes below 0.00001; TOPMed below 0.00001.
gnomAD v4.1: 1 of 1,614,126 alleles (0.000062%); highest among the groups gnomAD compares: Non-Finnish European, 0.000085%; no homozygotes.

Submissions (2):

Labcorp Genetics (formerly Invitae), Labcorp
Classification: Uncertain significance for Hereditary diffuse gastric adenocarcinoma. Last evaluated: 2024-07-28. Review status: criteria provided, single submitter. Criteria: Invitae Variant Classification Sherloc (09022015). Collection method: clinical testing. Allele origin: germline.
Comment: This sequence change replaces glutamine, which is neutral and polar, with arginine, which is basic and polar, at codon 264 of the CDH1 protein (p.Gln264Arg). This variant is not present in population databases (gnomAD no frequency). This variant has not been reported in the literature in individuals affected with CDH1-related conditions. ClinVar contains an entry for this variant (Variation ID: 1761208). An algorithm developed to predict the effect of missense changes on protein structure and function (PolyPhen-2) suggests that this variant is likely to be tolerated. In summary, the available evidence is currently insufficient to determine the role of this variant in disease. Therefore, it has been classified as a Variant of Uncertain Significance.

Ambry Genetics
Classification: Likely benign for Hereditary cancer-predisposing syndrome. Last evaluated: 2024-01-19. Review status: criteria provided, single submitter. Criteria: Ambry Variant Classification Scheme 2023. Collection method: clinical testing. Allele origin: germline.

NM_004360.5(CDH1):c.791A>G (p.Gln264Arg)

Gene: CDH1 (cadherin 1; plus strand). Cytogenetic location: 16q22.1.
Variant type: single nucleotide variant.
Coding change: c.791A>G on transcript NM_004360.5 (MANE Select); coding-DNA position 791, A replaced by G.
Protein change: p.Gln264Arg; replaces glutamine 264 with arginine.
Molecular consequence: missense variant. On other transcripts: 5 prime UTR variant (2).
Genome position (GRCh38, 1-based): chr16:68,810,300, A>G. VCF-style: chr16-68810300-A-G. GRCh37 (hg19) VCF-style: chr16-68844203-A-G.
Other names: c.791A>G, p.Gln264Arg (NM_001317184.2); c.-825A>G (NM_001317185.2); c.-1029A>G (NM_001317186.2); short protein forms Q264R.
Identifiers: ClinVar variation 1761208 (VCV001761208.4), dbSNP rs1960784619, ClinGen allele CA396458774.
Genomic context (GRCh38, chr16:68,810,300, plus strand): 5'-ATCCAATGGAGATTTTGATCACGGTAACCGATCAGAATGACAACAAGCCCGAATTCACCC[A>G]GGAGGTCTTTAAGGGGTCTGTCATGGAAGGTGCTCTTCCAGGTATATCCACTAATGAGAA-3'
Protein context (NP_004351.1, residues 254-274): DQNDNKPEFT[Gln264Arg]EVFKGSVMEG